The following is an entry in ClinVar:

NM_004990.4(MARS1):c.337G>T (p.Val113Phe)

Gene: MARS1 (methionyl-tRNA synthetase 1; plus strand). Cytogenetic location: 12q13.3.
Variant type: single nucleotide variant.
Coding change: c.337G>T on transcript NM_004990.4 (MANE Select); coding-DNA position 337, G replaced by T.
Protein change: p.Val113Phe; replaces valine 113 with phenylalanine.
Molecular consequence: missense variant.
Genome position (GRCh38, 1-based): chr12:57,489,481, G>T. VCF-style: chr12-57489481-G-T. GRCh37 (hg19) VCF-style: chr12-57883264-G-T.
Other names: short protein forms V113F.
Identifiers: ClinVar variation 1924066 (VCV001924066.5), dbSNP rs2540257037, ClinGen allele CA385491204.

ClinVar aggregate classification (germline): Uncertain significance (1 of 4 stars; one submission).

Conditions:
Severe early-onset pulmonary alveolar proteinosis due to MARS deficiency. Also called: PULMONARY ALVEOLAR PROTEINOSIS, REUNION ISLAND; Interstitial lung and liver disease. Identifiers: Orphanet 440427, MedGen C4225400, MONDO:0014206, OMIM 615486.
Charcot-Marie-Tooth disease axonal type 2U. Also called: CHARCOT-MARIE-TOOTH NEUROPATHY, TYPE 2U; CHARCOT-MARIE-TOOTH DISEASE, AXONAL, AUTOSOMAL DOMINANT, TYPE 2U. Identifiers: Orphanet 397735, MedGen C4084821, MONDO:0014566, OMIM 616280.

Submission:

Labcorp Genetics (formerly Invitae), Labcorp
Classification: Uncertain significance for Charcot-Marie-Tooth disease axonal type 2U; Severe early-onset pulmonary alveolar proteinosis due to MARS deficiency. Last evaluated: 2023-11-27. Review status: criteria provided, single submitter. Criteria: Invitae Variant Classification Sherloc (09022015). Collection method: clinical testing. Allele origin: germline.
Comment: This sequence change replaces valine, which is neutral and non-polar, with phenylalanine, which is neutral and non-polar, at codon 113 of the MARS protein (p.Val113Phe). This variant is not present in population databases (gnomAD no frequency). This variant has not been reported in the literature in individuals affected with MARS-related conditions. ClinVar contains an entry for this variant (Variation ID: 1924066). An algorithm developed to predict the effect of missense changes on protein structure and function (PolyPhen-2) suggests that this variant is likely to be tolerated. In summary, the available evidence is currently insufficient to determine the role of this variant in disease. Therefore, it has been classified as a Variant of Uncertain Significance.